The following is an entry in ClinVar:

NM_019066.5(MAGEL2):c.3013G>A (p.Ala1005Thr)

Gene: MAGEL2 (MAGE family member L2; minus strand). Cytogenetic location: 15q11.2.
Variant type: single nucleotide variant.
Coding change: c.3013G>A on transcript NM_019066.5 (MANE Select); coding-DNA position 3013, G replaced by A.
Protein change: p.Ala1005Thr; replaces alanine 1005 with threonine.
Molecular consequence: missense variant.
Genome position (GRCh38, 1-based): chr15:23,644,730, C>T on the plus strand (G>A on the coding strand, the complement: MAGEL2 is on the minus strand). VCF-style: chr15-23644730-C-T. GRCh37 (hg19) VCF-style: chr15-23889877-C-T.
Other names: c.3013G>A (NM_019066.4); short protein forms A1005T.
Identifiers: ClinVar variation 2115506 (VCV002115506.5), dbSNP rs2503975415, ClinGen allele CA391326583.
Genomic context (GRCh38, chr15:23,644,730, plus strand): 5'-TTGCCCTCTCATCCAAGGGAGACAAGGGCTGTGCCTCCACCTTGGAATTATCCTGGGTGG[C>T]ACTGGATCCCGGAGAGACACTTGCGACCTCAGACACAACTACGGGCAGAGAGCTCCCTGG-3'
Protein context (NP_061939.3, residues 995-1015): EVASVSPGSS[Ala1005Thr]TQDNSKVEAQ

ClinVar aggregate classification (germline): Uncertain significance. Review status: criteria provided, multiple submitters, no conflicts (2 of 4 stars). 2 submissions from 2 submitters: Uncertain significance (2). Last evaluated 2026-02-26.

Submissions (2):

GeneDx
Classification: Uncertain significance. Last evaluated: 2026-02-26. Review status: criteria provided, single submitter. Criteria: GeneDx Variant Classification Process June 2021. Collection method: clinical testing. Allele origin: germline.
Comment: Not observed at significant frequency in large population cohorts (gnomAD); In silico analysis suggests that this missense variant does not alter protein structure/function; Has not been previously published as pathogenic or benign to our knowledge

Labcorp Genetics (formerly Invitae), Labcorp
Classification: Uncertain significance. Last evaluated: 2022-08-09. Review status: criteria provided, single submitter. Criteria: Invitae Variant Classification Sherloc (09022015). Collection method: clinical testing. Allele origin: germline.
Comment: In summary, the available evidence is currently insufficient to determine the role of this variant in disease. Therefore, it has been classified as a Variant of Uncertain Significance. Algorithms developed to predict the effect of missense changes on protein structure and function output the following: SIFT: "Not Available"; PolyPhen-2: "Not Available"; Align-GVGD: "Not Available". The threonine amino acid residue is found in multiple mammalian species, which suggests that this missense change does not adversely affect protein function. This variant has not been reported in the literature in individuals affected with MAGEL2-related conditions. This variant is not present in population databases (gnomAD no frequency). This sequence change replaces alanine, which is neutral and non-polar, with threonine, which is neutral and polar, at codon 1005 of the MAGEL2 protein (p.Ala1005Thr).